The following is an entry in ClinVar:

ClinVar aggregate classification (germline): Uncertain significance (1 of 4 stars; one submission).

Conditions:
Neuropathy, hereditary sensory and autonomic, type 2A (HSAN2A). Also called: MORVAN DISEASE; NEUROPATHY, CONGENITAL SENSORY; NEUROPATHY, HEREDITARY SENSORY RADICULAR, AUTOSOMAL RECESSIVE; NEUROPATHY, HEREDITARY SENSORY, TYPE IIA; NEUROPATHY, PROGRESSIVE SENSORY, OF CHILDREN; ACROOSTEOLYSIS, GIACCAI TYPE. Identifiers: Orphanet 970, MedGen C2752089, MONDO:0024309, OMIM 201300.
Generalized epilepsy with febrile seizures plus, type 7 (GEFSP7). Also called: GEFS+, TYPE 7. Identifiers: Orphanet 36387, MedGen C2751778, MONDO:0013470, OMIM 613863.

Allele frequency attached by ClinVar (database versions not stated): gnomAD exomes 0.00001; TOPMed 0.00001.
gnomAD v4.1: 4 of 1,498,350 alleles (0.00027%); highest among the groups gnomAD compares: Admixed American, 0.0038%; no homozygotes.

Submission:

Labcorp Genetics (formerly Invitae), Labcorp
Classification: Uncertain significance for Neuropathy, hereditary sensory and autonomic, type 2A; Generalized epilepsy with febrile seizures plus, type 7. Last evaluated: 2025-11-28. Review status: criteria provided, single submitter. Criteria: Invitae Variant Classification Sherloc (09022015). Collection method: clinical testing. Allele origin: germline.
Comment: This sequence change falls in intron 14 of the SCN9A gene. It does not directly change the encoded amino acid sequence of the SCN9A protein. It affects a nucleotide within the consensus splice site. The frequency data for this variant in the population databases is considered unreliable, as metrics indicate poor data quality at this position in the gnomAD database. This variant has not been reported in the literature in individuals affected with SCN9A-related conditions. ClinVar contains an entry for this variant (Variation ID: 1488315). Variants that disrupt the consensus splice site are a relatively common cause of aberrant splicing (PMID: 17576681, 9536098). Algorithms developed to predict the effect of sequence changes on RNA splicing suggest that this variant may disrupt the consensus splice site. In summary, the available evidence is currently insufficient to determine the role of this variant in disease. Therefore, it has been classified as a Variant of Uncertain Significance.

Literature cited by the submitters: PubMed 17576681; PubMed 9536098.

NM_001365536.1(SCN9A):c.2343+4A>G

Genes: SCN9A (sodium voltage-gated channel alpha subunit 9; minus strand), SCN1A-AS1 (SCN1A and SCN9A antisense RNA 1; plus strand). Cytogenetic location: 2q24.3.
Variant type: single nucleotide variant.
Coding change: c.2343+4A>G on transcript NM_001365536.1 (MANE Select); 4 bases into the intron after coding-DNA position 2343, A replaced by G.
Molecular consequence: intron variant.
Genome position (GRCh38, 1-based): chr2:166,280,353, T>C on the plus strand (A>G on the coding strand, the complement: SCN9A is on the minus strand). VCF-style: chr2-166280353-T-C. GRCh37 (hg19) VCF-style: chr2-167136863-T-C.
Other names: c.2310+4A>G (NM_002977.4).
Identifiers: ClinVar variation 1488315 (VCV001488315.6), dbSNP rs1277272634, ClinGen allele CA537658252.